The following is an entry in ClinVar:

NM_000256.3(MYBPC3):c.993dup (p.Glu332Ter)

Gene: MYBPC3 (myosin binding protein C3; minus strand). Cytogenetic location: 11p11.2.
Variant type: Duplication.
Coding change: c.993dup on transcript NM_000256.3 (MANE Select); coding-DNA position 993, one base duplicated (T; older notation c.993dupT).
Protein change: p.Glu332Ter; replaces glutamic acid 332 with a stop codon.
Molecular consequence: nonsense.
Genome position (GRCh38, 1-based): chr11:47,346,304, A duplicated on the plus strand (T on the coding strand, the reverse complement: MYBPC3 is on the minus strand). VCF-style (leftmost placement, unchanged base first): chr11-47346303-C-CA. GRCh37 (hg19) VCF-style: chr11-47367854-C-CA.
Other names: NM_000256.3:c.993dupT; p.Glu332X; c.993_994insT (NM_000256.3); short protein forms E332*.
Identifiers: ClinVar variation 164134 (VCV000164134.9), dbSNP rs727503209, ClinGen allele CA016238.

ClinVar aggregate classification (germline): Pathogenic. Review status: criteria provided, multiple submitters, no conflicts (2 of 4 stars). 2 submissions from 2 submitters: Pathogenic (2). Last evaluated 2021-08-27.

Conditions:
Hypertrophic cardiomyopathy. Also called: HYPERTROPHIC MYOCARDIOPATHY. Identifiers: Orphanet 217569, MedGen C0007194, MeSH D002312, MONDO:0005045, HP:0001639.

Submissions (2):

Labcorp Genetics (formerly Invitae), Labcorp
Classification: Pathogenic for Hypertrophic cardiomyopathy. Last evaluated: 2021-08-27. Review status: criteria provided, single submitter. Criteria: Invitae Variant Classification Sherloc (09022015). Collection method: clinical testing. Allele origin: germline.
Comment: This sequence change creates a premature translational stop signal (p.Glu332*) in the MYBPC3 gene. It is expected to result in an absent or disrupted protein product. Loss-of-function variants in MYBPC3 are known to be pathogenic (PMID: 19574547). This variant is not present in population databases (ExAC no frequency). This premature translational stop signal has been observed in individual(s) with hypertrophic cardiomyopathy (PMID: 25611685, 27532257). ClinVar contains an entry for this variant (Variation ID: 164134). For these reasons, this variant has been classified as Pathogenic.

Laboratory for Molecular Medicine, Mass General Brigham Personalized Medicine
Classification: Pathogenic for Hypertrophic cardiomyopathy. Last evaluated: 2013-03-05. Review status: criteria provided, single submitter. Criteria: LMM Criteria. Collection method: clinical testing. Allele origin: germline. Inheritance: Autosomal dominant inheritance. Observed: 1 variant allele.
Comment: proposed classification - variant undergoing re-assessment, contact laboratory

Literature cited by the submitters: PubMed 19574547 (cited by Labcorp Genetics (formerly Invitae), Labcorp); PubMed 25611685 (cited by Labcorp Genetics (formerly Invitae), Labcorp); PubMed 27532257 (cited by Labcorp Genetics (formerly Invitae), Labcorp).